The following is an entry in ClinVar:

ClinVar aggregate classification (germline): Uncertain significance (1 of 4 stars; one submission).

Submission:

Ambry Genetics
Classification: Uncertain significance. Last evaluated: 2025-05-11. Review status: criteria provided, single submitter. Criteria: Ambry Variant Classification Scheme 2023. Collection method: clinical testing. Allele origin: germline.
Comment: The p.P333S variant (also known as c.997C>T), located in coding exon 9 of the FAM175A gene, results from a C to T substitution at nucleotide position 997. The proline at codon 333 is replaced by serine, an amino acid with similar properties. This amino acid position is conserved. In addition, this alteration is predicted to be tolerated by in silico analysis. Since supporting evidence is limited at this time, the clinical significance of this alteration remains unclear.

NM_139076.3(ABRAXAS1):c.997C>T (p.Pro333Ser)

Gene: ABRAXAS1 (abraxas 1, BRCA1 A complex subunit; minus strand). Cytogenetic location: 4q21.23.
Variant type: single nucleotide variant.
Coding change: c.997C>T on transcript NM_139076.3 (MANE Select); coding-DNA position 997, C replaced by T.
Protein change: p.Pro333Ser; replaces proline 333 with serine.
Molecular consequence: missense variant.
Genome position (GRCh38, 1-based): chr4:83,462,702, G>A on the plus strand (C>T on the coding strand, the complement: ABRAXAS1 is on the minus strand). VCF-style: chr4-83462702-G-A. GRCh37 (hg19) VCF-style: chr4-84383855-G-A.
Other names: c.670C>T, p.Pro224Ser (NM_001345962.2); short protein forms P224S, P333S.
Identifiers: ClinVar variation 1800153 (VCV001800153.3), dbSNP rs2529418558, ClinGen allele CA357255567.
Genomic context (GRCh38, chr4:83,462,702, plus strand): 5'-CATCTAAGTCTAAGGCTTTATGCTTAATGATTTGTGGTGTACTAGCTGGACTAGCTTCAG[G>A]AATGTCAGTGTGTTCTACCATTAAGGTCAGATTGTCTACTACATCGAGATGGTGGTTGTA-3'
Protein context (NP_620775.2, residues 323-343): LTLMVEHTDI[Pro333Ser]EASPASTPQI